The following is an entry in ClinVar:

NM_133259.4(LRPPRC):c.418del (p.Glu140fs)

Gene: LRPPRC (leucine rich pentatricopeptide repeat containing; minus strand). Cytogenetic location: 2p21.
Variant type: Deletion.
Coding change: c.418del on transcript NM_133259.4 (MANE Select); coding-DNA position 418, one base deleted (G; older notation c.418delG).
Protein change: p.Glu140fs; shifts the reading frame from glutamic acid 140.
Molecular consequence: frameshift variant.
Genome position (GRCh38, 1-based): chr2:43,979,877, C deleted on the plus strand (G on the coding strand, the reverse complement: LRPPRC is on the minus strand). VCF-style (leftmost placement, unchanged base first): chr2-43979876-TC-T. GRCh37 (hg19) VCF-style: chr2-44207015-TC-T.
Other names: short protein forms E140fs.
Identifiers: ClinVar variation 5016262 (VCV005016262.1).

ClinVar aggregate classification (germline): Pathogenic (1 of 4 stars; one submission).

Conditions:
Congenital lactic acidosis, Saguenay-Lac-Saint-Jean type (MC4DN5). Also called: CYTOCHROME c OXIDASE DEFICIENCY, FRENCH CANADIAN TYPE; COX DEFICIENCY, FRENCH CANADIAN TYPE; MITOCHONDRIAL COMPLEX IV DEFICIENCY, NUCLEAR TYPE 5. Identifiers: Orphanet 70472, MedGen C1857355, MONDO:0009069, OMIM 220111.

Submission:

Myriad Genetics, Inc.
Classification: Pathogenic for Congenital lactic acidosis, Saguenay-Lac-Saint-Jean type. Last evaluated: 2026-08-21. Review status: criteria provided, single submitter. Criteria: Myriad Autosomal Dominant, Autosomal Recessive and X-Linked Classification Criteria (2023). Collection method: clinical testing. Allele origin: unknown.
Comment: NM_133259.3(LRPPRC):c.418delG(E140Kfs*17) is expected to be pathogenic in the context of Leigh syndrome, French-Canadian type. This variant is predicted to lead to an abnormal or absent protein product due to the creation of a premature termination codon in LRPPRC, a gene where loss-of-function variants are known to be pathogenic. Please note: this variant was assessed in the context of healthy population screening.